The following is an entry in ClinVar:

ClinVar aggregate classification (germline): Likely pathogenic (1 of 4 stars; one submission).

Conditions:
Retinitis pigmentosa (RP). Identifiers: Orphanet 791, MedGen C0035334, MeSH D012174, MONDO:0019200, OMIM 268000. Inheritance: Autosomal dominant, autosomal recessive and X linked inheritance.

Submission:

Ophthalmic Genetics Group, Institute of Molecular and Clinical Ophthalmology Basel
Classification: Likely pathogenic for Retinitis pigmentosa. Last evaluated: 2023-07-24. Review status: criteria provided, single submitter. Criteria: ACMG Guidelines, 2015. Collection method: research. Allele origin: germline. Affected: yes. Observed: 1 variant allele.
Comment: Clinical significance based on ACMG v2.0

This variant was classified as Likely pathogenic based on ACMG criteria: PVS1, PM2.

Literature cited by the submitters: PubMed 36909829.

NM_001034853.2(RPGR):c.2567_2568del (p.Gly856fs)

Gene: RPGR (retinitis pigmentosa GTPase regulator; minus strand). Cytogenetic location: Xp11.4.
Variant type: Deletion.
Coding change: c.2567_2568del on transcript NM_001034853.2 (MANE Select); coding-DNA positions 2567 to 2568, 2 bases deleted (GG; older notation c.2567_2568delGG).
Protein change: p.Gly856fs; shifts the reading frame from glycine 856.
Molecular consequence: frameshift variant. On other transcripts: intron variant (8).
Genome position (GRCh38, 1-based): chrX:38,286,431-38,286,432, CC deleted on the plus strand (GG on the coding strand, the reverse complement: RPGR is on the minus strand); deleting any 2 consecutive bases within chrX:38,286,431-38,286,433 gives the same sequence; the c. name uses the placement nearest the transcript's 3' end. VCF-style (leftmost placement, unchanged base first): chrX-38286430-TCC-T. GRCh37 (hg19) VCF-style: chrX-38145683-TCC-T.
Other names: NC_000023.10:g.38145685_38145686del; NP_001030025.1:p.(Gly856GlufsTer222); c.1569+4527_1569+4528del (NM_001367249.1, NM_001367250.1); c.1902+662_1902+663del (NM_001367245.1); c.1386+4527_1386+4528del (NM_001367251.1); c.1719+662_1719+663del (NM_001367246.1); c.1572+4527_1572+4528del (NM_001367247.1); c.1905+662_1905+663del (NM_000328.3); and 1 more; short protein forms G856fs.
Identifiers: ClinVar variation 2577495 (VCV002577495.2), dbSNP rs2067172824, ClinGen allele CA2580617526.